The following is an entry in ClinVar:

NM_003470.3(USP7):c.2377C>T (p.Arg793Cys)

Gene: USP7 (ubiquitin specific peptidase 7; minus strand). Cytogenetic location: 16p13.2.
Variant type: single nucleotide variant.
Coding change: c.2377C>T on transcript NM_003470.3 (MANE Select); coding-DNA position 2377, C replaced by T.
Protein change: p.Arg793Cys; replaces arginine 793 with cysteine.
Molecular consequence: missense variant. On other transcripts: non-coding transcript variant (1).
Genome position (GRCh38, 1-based): chr16:8,899,690, G>A on the plus strand (C>T on the coding strand, the complement: USP7 is on the minus strand). VCF-style: chr16-8899690-G-A. GRCh37 (hg19) VCF-style: chr16-8993547-G-A.
Other names: c.2329C>T, p.Arg777Cys (NM_001286457.2); c.2080C>T, p.Arg694Cys (NM_001286458.2); c.2203C>T, p.Arg735Cys (NM_001321858.2); short protein forms R694C, R735C, R777C, R793C.
Identifiers: ClinVar variation 4688151 (VCV004688151.3).

ClinVar aggregate classification (germline): Uncertain significance. Review status: criteria provided, multiple submitters, no conflicts (2 of 4 stars). 2 submissions from 2 submitters: Uncertain significance (2). Last evaluated 2026-01-30.

Conditions:
Hao-Fountain syndrome due to USP7 mutation. Also called: USP7-Related Hao Fountain Syndrome. Identifiers: Orphanet 643538, MedGen C5816734, MONDO:0958071, OMIM 616863.

Submissions (2):

Dasa
Classification: Uncertain significance. Last evaluated: 2026-01-30. Review status: criteria provided, single submitter. Criteria: DASA Assertion Criteria. Collection method: clinical testing. Allele origin: germline.
Comment: NM_003470.3(USP7):c.2377C>T (p.Arg793Cys) is a missense variant that results in the substitution of arginine with cysteine. This variant is rare in population databases. Computational prediction algorithms are consistent with a deleterious effect. The currently available literature and clinical evidence are not sufficient to establish a definitive association between this variant and the reported condition. Therefore, this variant is classified as a variant of uncertain significance.

MVZ Medizinische Genetik Mainz
Classification: Uncertain significance for Hao-Fountain syndrome due to USP7 mutation. Last evaluated: 2025-12-19. Review status: criteria provided, single submitter. Criteria: UK Practice Guidelines For Variant Classification V4 01 2020. Collection method: clinical testing. Allele origin: germline. Inheritance: Autosomal dominant inheritance. Affected: yes. Observed: 1 variant allele.
Comment: ACMG Criteria: PM2_SUP,PP2,PP3